The following is an entry in ClinVar:

NM_177438.3(DICER1):c.1683A>G (p.Ile561Met)

Gene: DICER1 (dicer 1, ribonuclease III; minus strand). Cytogenetic location: 14q32.13.
Variant type: single nucleotide variant.
Coding change: c.1683A>G on transcript NM_177438.3 (MANE Select); coding-DNA position 1683, A replaced by G.
Protein change: p.Ile561Met; replaces isoleucine 561 with methionine.
Molecular consequence: missense variant. On other transcripts: 5 prime UTR variant (1), non-coding transcript variant (6).
Genome position (GRCh38, 1-based): chr14:95,116,522, T>C on the plus strand (A>G on the coding strand, the complement: DICER1 is on the minus strand). VCF-style: chr14-95116522-T-C. GRCh37 (hg19) VCF-style: chr14-95582859-T-C.
Other names: c.1683A>G, p.Ile561Met (NM_001395677.1, NM_001395678.1, NM_001395679.1 and 13 more transcripts); c.1401A>G, p.Ile467Met (NM_001395686.1); c.1278A>G, p.Ile426Met (NM_001395687.1, NM_001395688.1, NM_001395689.1 and 3 more transcripts); c.1116A>G, p.Ile372Met (NM_001395691.1); c.-1A>G (NM_001395697.1); short protein forms I561M, I372M, I426M, I467M.
Identifiers: ClinVar variation 2566164 (VCV002566164.3), dbSNP rs2543030232, ClinGen allele CA390884804.

ClinVar aggregate classification (germline): Uncertain significance. Review status: criteria provided, multiple submitters, no conflicts (2 of 4 stars). 2 submissions from 2 submitters: Uncertain significance (2). Last evaluated 2025-02-12.

Conditions:
DICER1-related tumor predisposition. Also called: DICER1 syndrome; DICER1-related pleuropulmonary blastoma cancer predisposition syndrome. Identifiers: Orphanet 284343, MedGen C3839822, MONDO:0100216.
Hereditary cancer-predisposing syndrome. Also called: Neoplastic Syndromes, Hereditary; Hereditary Cancer Syndrome; Tumor predisposition; Hereditary neoplastic syndrome. Identifiers: Orphanet 140162, MedGen C0027672, MeSH D009386, MONDO:0015356.

Submissions (2):

Labcorp Genetics (formerly Invitae), Labcorp
Classification: Uncertain significance for DICER1-related tumor predisposition. Last evaluated: 2025-02-12. Review status: criteria provided, single submitter. Criteria: Invitae Variant Classification Sherloc (09022015). Collection method: clinical testing. Allele origin: germline.
Comment: This sequence change replaces isoleucine, which is neutral and non-polar, with methionine, which is neutral and non-polar, at codon 561 of the DICER1 protein (p.Ile561Met). This variant is not present in population databases (gnomAD no frequency). This variant has not been reported in the literature in individuals affected with DICER1-related conditions. ClinVar contains an entry for this variant (Variation ID: 2566164). Invitae Evidence Modeling of protein sequence and biophysical properties (such as structural, functional, and spatial information, amino acid conservation, physicochemical variation, residue mobility, and thermodynamic stability) indicates that this missense variant is not expected to disrupt DICER1 protein function with a negative predictive value of 95%. In summary, the available evidence is currently insufficient to determine the role of this variant in disease. Therefore, it has been classified as a Variant of Uncertain Significance.

Ambry Genetics
Classification: Uncertain significance for Hereditary cancer-predisposing syndrome. Last evaluated: 2023-04-07. Review status: criteria provided, single submitter. Criteria: Ambry Variant Classification Scheme 2023. Collection method: clinical testing. Allele origin: germline.
Comment: The p.I561M variant (also known as c.1683A>G), located in coding exon 9 of the DICER1 gene, results from an A to G substitution at nucleotide position 1683. The isoleucine at codon 561 is replaced by methionine, an amino acid with highly similar properties. This amino acid position is conserved. In addition, this alteration is predicted to be tolerated by in silico analysis. Since supporting evidence is limited at this time, the clinical significance of this alteration remains unclear.